The following is an entry in ClinVar:

NM_001042492.3(NF1):c.1425del (p.Lys476fs)

Gene: NF1 (neurofibromin 1; plus strand). Cytogenetic location: 17q11.2.
Variant type: Deletion.
Coding change: c.1425del on transcript NM_001042492.3 (MANE Select); coding-DNA position 1425, one base deleted (T; older notation c.1425delT).
Protein change: p.Lys476fs; shifts the reading frame from lysine 476.
Molecular consequence: frameshift variant.
Genome position (GRCh38, 1-based): chr17:31,214,483, T deleted; the last of 2 consecutive T bases (chr17:31,214,482-31,214,483); deleting either gives the same sequence. VCF-style (leftmost placement, unchanged base first): chr17-31214481-CT-C. GRCh37 (hg19) VCF-style: chr17-29541499-CT-C.
Other names: c.1425delT, p.Lys476Asnfs (NM_000267.4); c.1425del, p.Lys476fs (NM_001128147.3); short protein forms K476fs.
Identifiers: ClinVar variation 2113685 (VCV002113685.4), dbSNP rs2544829206, ClinGen allele CA2580092789.

ClinVar aggregate classification (germline): Pathogenic (1 of 4 stars; one submission).

Conditions:
Neurofibromatosis, type 1 (NF1). Also called: NEUROFIBROMATOSIS, TYPE I, SOMATIC; Neurofibromatosis, type I; Peripheral type neurofibromatosis; VON RECKLINGHAUSEN DISEASE. Identifiers: Orphanet 636, MedGen C0027831, MONDO:0018975, OMIM 162200. Disease mechanism: loss of function.

Submission:

Labcorp Genetics (formerly Invitae), Labcorp
Classification: Pathogenic for Neurofibromatosis, type 1. Last evaluated: 2022-03-18. Review status: criteria provided, single submitter. Criteria: Invitae Variant Classification Sherloc (09022015). Collection method: clinical testing. Allele origin: germline.
Comment: For these reasons, this variant has been classified as Pathogenic. This premature translational stop signal has been observed in individual(s) with clinical features of NF1-related conditions (PMID: 16944272). This variant is not present in population databases (gnomAD no frequency). This sequence change creates a premature translational stop signal (p.Lys476Asnfs*22) in the NF1 gene. It is expected to result in an absent or disrupted protein product. Loss-of-function variants in NF1 are known to be pathogenic (PMID: 10712197, 23913538).

Literature cited by the submitters: PubMed 16944272; PubMed 10712197; PubMed 23913538.